The following is an entry in ClinVar:

ClinVar aggregate classification (germline): Uncertain significance. Review status: criteria provided, multiple submitters, no conflicts (2 of 4 stars). 2 submissions from 2 submitters: Uncertain significance (2). Last evaluated 2024-11-14.

Conditions:
Hereditary nonpolyposis colorectal neoplasms. Identifiers: MedGen C0009405, MeSH D003123.

Submissions (2):

Quest Diagnostics Nichols Institute San Juan Capistrano
Classification: Uncertain significance. Last evaluated: 2024-11-14. Review status: criteria provided, single submitter. Criteria: Quest Diagnostics criteria. Collection method: clinical testing. Allele origin: unknown.
Comment: The PMS2 c.2475C>G (p.Ser825Arg) variant has not been reported in individuals with PMS2-related conditions in the published literature. It also has not been reported in large, multi-ethnic general populations (Genome Aggregation Database). Analysis of this variant using bioinformatics tools for the prediction of the effect of amino acid changes on protein structure and function yielded predictions that this variant is benign. Based on the available information, we are unable to determine the clinical significance of this variant.

Labcorp Genetics (formerly Invitae), Labcorp
Classification: Uncertain significance for Hereditary nonpolyposis colorectal neoplasms. Last evaluated: 2022-04-22. Review status: criteria provided, single submitter. Criteria: Invitae Variant Classification Sherloc (09022015). Collection method: clinical testing. Allele origin: germline.
Comment: In summary, the available evidence is currently insufficient to determine the role of this variant in disease. Therefore, it has been classified as a Variant of Uncertain Significance. Advanced modeling of protein sequence and biophysical properties (such as structural, functional, and spatial information, amino acid conservation, physicochemical variation, residue mobility, and thermodynamic stability) performed at Invitae indicates that this missense variant is not expected to disrupt PMS2 protein function. This variant has not been reported in the literature in individuals affected with PMS2-related conditions. The frequency data for this variant in the population databases (gnomAD) is considered unreliable due to the presence of homologous sequence, such as pseudogenes or paralogs, in the genome. This sequence change replaces serine, which is neutral and polar, with arginine, which is basic and polar, at codon 825 of the PMS2 protein (p.Ser825Arg).

NM_000535.7(PMS2):c.2475C>G (p.Ser825Arg)

Gene: PMS2 (PMS1 homolog 2, mismatch repair system component; minus strand). Cytogenetic location: 7p22.1.
Variant type: single nucleotide variant.
Coding change: c.2475C>G on transcript NM_000535.7 (MANE Select); coding-DNA position 2475, C replaced by G.
Protein change: p.Ser825Arg; replaces serine 825 with arginine.
Molecular consequence: missense variant. On other transcripts: non-coding transcript variant (1).
Genome position (GRCh38, 1-based): chr7:5,973,513, G>C on the plus strand (C>G on the coding strand, the complement: PMS2 is on the minus strand). VCF-style: chr7-5973513-G-C. GRCh37 (hg19) VCF-style: chr7-6013144-G-C.
Other names: c.1902C>G, p.Ser634Arg (NM_001406909.1, NM_001322013.2, NM_001406908.1); c.1758C>G, p.Ser586Arg (NM_001406910.1); c.1704C>G, p.Ser568Arg (NM_001406911.1); c.1272C>G, p.Ser424Arg (NM_001406912.1); c.2475C>G (NM_000535.6); c.2070C>G, p.Ser690Arg (NM_001018040.1, NM_001322003.2, NM_001322004.2 and 12 more transcripts); c.2319C>G, p.Ser773Arg (NM_001322006.2); c.2157C>G, p.Ser719Arg (NM_001322007.2, NM_001322008.2, NM_001406883.1); and 21 more; short protein forms S424R, S514R, S634R, S759R, S833R, S887R, S586R, S654R.
Identifiers: ClinVar variation 2196373 (VCV002196373.5), dbSNP rs776460258, ClinGen allele CA366734983.